The following is an entry in ClinVar:

ClinVar aggregate classification (germline): Uncertain significance (1 of 4 stars; one submission).

gnomAD v4.1: 3 of 1,542,122 alleles (0.00019%); highest among the groups gnomAD compares: Non-Finnish European, 0.00026%; no homozygotes.

Submission:

Labcorp Genetics (formerly Invitae), Labcorp
Classification: Uncertain significance. Last evaluated: 2025-07-03. Review status: criteria provided, single submitter. Criteria: Invitae Variant Classification Sherloc (09022015). Collection method: clinical testing. Allele origin: germline.
Comment: This sequence change replaces valine, which is neutral and non-polar, with methionine, which is neutral and non-polar, at codon 829 of the MYO7A protein (p.Val829Met). This variant is not present in population databases (gnomAD no frequency). This variant has not been reported in the literature in individuals affected with MYO7A-related conditions. Invitae Evidence Modeling of protein sequence and biophysical properties (such as structural, functional, and spatial information, amino acid conservation, physicochemical variation, residue mobility, and thermodynamic stability) indicates that this missense variant is not expected to disrupt MYO7A protein function with a negative predictive value of 95%. In summary, the available evidence is currently insufficient to determine the role of this variant in disease. Therefore, it has been classified as a Variant of Uncertain Significance.

NM_000260.4(MYO7A):c.2485G>A (p.Val829Met)

Gene: MYO7A (myosin VIIA; plus strand). Cytogenetic location: 11q13.5.
Variant type: single nucleotide variant.
Coding change: c.2485G>A on transcript NM_000260.4 (MANE Select); coding-DNA position 2485, G replaced by A.
Protein change: p.Val829Met; replaces valine 829 with methionine.
Molecular consequence: missense variant.
Genome position (GRCh38, 1-based): chr11:77,179,852, G>A. VCF-style: chr11-77179852-G-A. GRCh37 (hg19) VCF-style: chr11-76890898-G-A.
Other names: c.2485G>A, p.Val829Met (NM_001127180.2); c.2452G>A, p.Val818Met (NM_001369365.1); short protein forms V818M, V829M.
Identifiers: ClinVar variation 4702711 (VCV004702711.1).